The following is an entry in ClinVar:

NM_001287491.2(TET3):c.3742C>T (p.Pro1248Ser)

Gene: TET3 (tet methylcytosine dioxygenase 3; plus strand). Cytogenetic location: 2p13.1.
Variant type: single nucleotide variant.
Coding change: c.3742C>T on transcript NM_001287491.2 (MANE Select); coding-DNA position 3742, C replaced by T.
Protein change: p.Pro1248Ser; replaces proline 1248 with serine.
Molecular consequence: missense variant.
Genome position (GRCh38, 1-based): chr2:74,100,530, C>T. VCF-style: chr2-74100530-C-T. GRCh37 (hg19) VCF-style: chr2-74327657-C-T.
Other names: c.3463C>T, p.Pro1155Ser (NM_001366022.1); short protein forms P1155S, P1248S.
Identifiers: ClinVar variation 4685265 (VCV004685265.1).

ClinVar aggregate classification (germline): Uncertain significance (1 of 4 stars; one submission).

Submission:

GeneDx
Classification: Uncertain significance. Last evaluated: 2025-07-02. Review status: criteria provided, single submitter. Criteria: GeneDx Variant Classification Process June 2021. Collection method: clinical testing. Allele origin: germline. Affected: yes.
Comment: Not observed at significant frequency in large population cohorts (gnomAD); In silico analysis supports that this missense variant has a deleterious effect on protein structure/function; Has not been previously published as pathogenic or benign to our knowledge